The following is an entry in ClinVar:

ClinVar aggregate classification (germline): Likely benign. Review status: criteria provided, multiple submitters, no conflicts (2 of 4 stars). 2 submissions from 2 submitters: Likely benign (2). Last evaluated 2025-02-20.

Conditions:
Hereditary cancer-predisposing syndrome. Also called: Neoplastic Syndromes, Hereditary; Tumor predisposition; Hereditary neoplastic syndrome; Hereditary Cancer Syndrome. Identifiers: Orphanet 140162, MedGen C0027672, MeSH D009386, MONDO:0015356.
Breast-ovarian cancer, familial, susceptibility to, 4. Identifiers: Orphanet 145, MedGen C3280345, MONDO:0013669, OMIM 614291.

Submissions (2):

Myriad Genetics, Inc.
Classification: Likely benign for Breast-ovarian cancer, familial, susceptibility to, 4. Last evaluated: 2025-02-20. Review status: criteria provided, single submitter. Criteria: Myriad Autosomal Dominant, Autosomal Recessive and X-Linked Classification Criteria (2023). Collection method: clinical testing. Allele origin: unknown.
Comment: This variant is considered likely benign. This variant is intronic and is not expected to impact mRNA splicing.

Color Diagnostics, LLC DBA Color Health
Classification: Likely benign for Hereditary cancer-predisposing syndrome. Last evaluated: 2018-06-25. Review status: criteria provided, single submitter. Criteria: ACMG Guidelines, 2015. Collection method: clinical testing. Allele origin: germline.

NM_002878.4(RAD51D):c.83-8G>C

Genes: RAD51D (RAD51 paralog D; minus strand), RAD51L3-RFFL (RAD51L3-RFFL readthrough; minus strand). Cytogenetic location: 17q12.
Variant type: single nucleotide variant.
Coding change: c.83-8G>C on transcript NM_002878.4 (MANE Select); 8 bases into the intron before coding-DNA position 83, G replaced by C.
Molecular consequence: intron variant.
Genome position (GRCh38, 1-based): chr17:35,119,180, C>G on the plus strand (G>C on the coding strand, the complement: RAD51D is on the minus strand). VCF-style: chr17-35119180-C-G. GRCh37 (hg19) VCF-style: chr17-33446199-C-G.
Other names: c.83-8G>C (NM_133629.3, NM_001142571.2).
Identifiers: ClinVar variation 628737 (VCV000628737.3), dbSNP rs1567735932, ClinGen allele CA913188841.
Genomic context (GRCh38, chr17:35,119,180, plus strand): 5'-CAAGCCACATTTCTGAGCTACCTCTTCCAGGTCTGCAGAAACCAGGTCCACCACTGAAAA[C>G]AAAACACGTATAGCGGATTGGCAGAGAGGACTGGGGCCTCCCACACTTGGTTTTTCCTCA-3'